The following is an entry in ClinVar:

NM_172364.5(CACNA2D4):c.2801T>C (p.Met934Thr)

Gene: CACNA2D4 (calcium voltage-gated channel auxiliary subunit alpha2delta 4; minus strand). Cytogenetic location: 12p13.33.
Variant type: single nucleotide variant.
Coding change: c.2801T>C on transcript NM_172364.5 (MANE Select); coding-DNA position 2801, T replaced by C.
Protein change: p.Met934Thr; replaces methionine 934 with threonine.
Molecular consequence: missense variant.
Genome position (GRCh38, 1-based): chr12:1,801,110, A>G on the plus strand (T>C on the coding strand, the complement: CACNA2D4 is on the minus strand). VCF-style: chr12-1801110-A-G. GRCh37 (hg19) VCF-style: chr12-1910276-A-G.
Other names: short protein forms M934T.
Identifiers: ClinVar variation 1400519 (VCV001400519.8), dbSNP rs756627323, ClinGen allele CA6386185.

ClinVar aggregate classification (germline): Uncertain significance (1 of 4 stars; one submission).

Allele frequency attached by ClinVar (database versions not stated): TOPMed below 0.00001; ExAC 0.00001; gnomAD exomes 0.00002.

Submission:

Labcorp Genetics (formerly Invitae), Labcorp
Classification: Uncertain significance. Last evaluated: 2024-10-25. Review status: criteria provided, single submitter. Criteria: Invitae Variant Classification Sherloc (09022015). Collection method: clinical testing. Allele origin: germline.
Comment: This sequence change replaces methionine, which is neutral and non-polar, with threonine, which is neutral and polar, at codon 934 of the CACNA2D4 protein (p.Met934Thr). This variant is present in population databases (rs756627323, gnomAD 0.007%). This variant has not been reported in the literature in individuals affected with CACNA2D4-related conditions. ClinVar contains an entry for this variant (Variation ID: 1400519). An algorithm developed to predict the effect of missense changes on protein structure and function (PolyPhen-2) suggests that this variant is likely to be tolerated. In summary, the available evidence is currently insufficient to determine the role of this variant in disease. Therefore, it has been classified as a Variant of Uncertain Significance.